The following is an entry in ClinVar:

ClinVar aggregate classification (germline): Uncertain significance (1 of 4 stars; one submission).

Conditions:
Hereditary cancer-predisposing syndrome. Also called: Tumor predisposition; Hereditary Cancer Syndrome; Hereditary neoplastic syndrome; Neoplastic Syndromes, Hereditary. Identifiers: Orphanet 140162, MedGen C0027672, MeSH D009386, MONDO:0015356.

Submission:

Ambry Genetics
Classification: Uncertain significance for Hereditary cancer-predisposing syndrome. Last evaluated: 2017-09-22. Review status: criteria provided, single submitter. Criteria: Ambry Variant Classification Scheme 2023. Collection method: clinical testing. Allele origin: germline.
Comment: The p.L99P variant (also known as c.296T>C), located in coding exon 1 of the CHEK2 gene, results from a T to C substitution at nucleotide position 296. The leucine at codon 99 is replaced by proline, an amino acid with similar properties. This amino acid position is highly conserved in available vertebrate species. In addition, this alteration is predicted to be benign and deleterious by PolyPhen and SIFT in silico analyses, respectively. Since supporting evidence is limited at this time, the clinical significance of this alteration remains unclear.

NM_007194.4(CHEK2):c.296T>C (p.Leu99Pro)

Gene: CHEK2 (checkpoint kinase 2; minus strand). Cytogenetic location: 22q12.1.
Variant type: single nucleotide variant.
Coding change: c.296T>C on transcript NM_007194.4 (MANE Select); coding-DNA position 296, T replaced by C.
Protein change: p.Leu99Pro; replaces leucine 99 with proline.
Molecular consequence: missense variant.
Genome position (GRCh38, 1-based): chr22:28,734,426, A>G on the plus strand (T>C on the coding strand, the complement: CHEK2 is on the minus strand). VCF-style: chr22-28734426-A-G. GRCh37 (hg19) VCF-style: chr22-29130414-A-G.
Other names: c.296T>C, p.Leu99Pro (NM_001005735.3, NM_001349956.3, NM_145862.3); c.-482T>C (NM_001257387.3); short protein forms L99P.
Identifiers: ClinVar variation 183968 (VCV000183968.5), dbSNP rs786201193, ClinGen allele CA187346.
Genomic context (GRCh38, chr22:28,734,426, plus strand): 5'-TGAACAAAACGTGATACTATACAACAAAGGGTCTTACCAAGATTGGCAAATCCATCCTGA[A>G]GGGCCCATAATCGAGCCCAGGGGGCAGGGGTAGGCTCCTCAGGTTCTTGGTCCTCAGGTT-3'
Protein context (NP_009125.1, residues 89-109): TPAPWARLWA[Leu99Pro]QDGFANLECV